The following is an entry in ClinVar:

ClinVar aggregate classification (germline): Uncertain significance (1 of 4 stars; one submission).

Conditions:
Inborn genetic diseases. Identifiers: MedGen C0950123, MeSH D030342.

Allele frequency attached by ClinVar (database versions not stated): TOPMed 0.00002.

Submission:

Ambry Genetics
Classification: Uncertain significance for Inborn genetic diseases. Last evaluated: 2023-11-30. Review status: criteria provided, single submitter. Criteria: Ambry Variant Classification Scheme 2023. Collection method: clinical testing. Allele origin: germline.
Comment: The c.7766C>T (p.A2589V) alteration is located in coding exon 23 of the BPTF gene. This alteration results from a C to T substitution at nucleotide position 7766, causing the alanine (A) at amino acid position 2589 to be replaced by a valine (V). This variant was not reported in population-based cohorts in the Genome Aggregation Database (gnomAD). This amino acid position is highly conserved in available vertebrate species. The in silico prediction for this alteration is inconclusive. Based on insufficient or conflicting evidence, the clinical significance of this alteration remains unclear.

NM_182641.4(BPTF):c.7766C>T (p.Ala2589Val)

Gene: BPTF (bromodomain PHD finger transcription factor; plus strand). Cytogenetic location: 17q24.2.
Variant type: single nucleotide variant.
Coding change: c.7766C>T on transcript NM_182641.4 (MANE Select); coding-DNA position 7766, C replaced by T.
Protein change: p.Ala2589Val; replaces alanine 2589 with valine.
Molecular consequence: missense variant.
Genome position (GRCh38, 1-based): chr17:67,948,146, C>T. VCF-style: chr17-67948146-C-T. GRCh37 (hg19) VCF-style: chr17-65944262-C-T.
Other names: c.7715C>T, p.Ala2572Val (NM_004459.7); short protein forms A2572V, A2589V.
Identifiers: ClinVar variation 3134909 (VCV003134909.1), dbSNP rs2065952071, ClinGen allele CA400728059.